The following is an entry in ClinVar:

ClinVar aggregate classification (germline): Uncertain significance (0 of 4 stars; one submission).

Conditions:
PIK3R2-related disorder. Also called: PIK3R2-related condition.

Submission:

PreventionGenetics, part of Exact Sciences
Classification: Uncertain significance for PIK3R2-related condition. Last evaluated: 2024-01-21. Review status: no assertion criteria provided. Collection method: clinical testing. Allele origin: germline.
Comment: The PIK3R2 c.275G>T variant is predicted to result in the amino acid substitution p.Gly92Val. To our knowledge, this variant has not been reported in the literature or in a large population database, indicating this variant is rare. At this time, the clinical significance of this variant is uncertain due to the absence of conclusive functional and genetic evidence.

NM_005027.4(PIK3R2):c.275G>T (p.Gly92Val)

Gene: PIK3R2 (phosphoinositide-3-kinase regulatory subunit 2; plus strand). Cytogenetic location: 19p13.11.
Variant type: single nucleotide variant.
Coding change: c.275G>T on transcript NM_005027.4 (MANE Select); coding-DNA position 275, G replaced by T.
Protein change: p.Gly92Val; replaces glycine 92 with valine.
Molecular consequence: missense variant. On other transcripts: non-coding transcript variant (2).
Genome position (GRCh38, 1-based): chr19:18,156,154, G>T. VCF-style: chr19-18156154-G-T. GRCh37 (hg19) VCF-style: chr19-18266964-G-T.
Other names: short protein forms G92V.
Identifiers: ClinVar variation 3031605 (VCV003031605.2), dbSNP rs1599962191, ClinGen allele CA404800954.
Genomic context (GRCh38, chr19:18,156,154, plus strand): 5'-GCACCTATGTGGAGTTCCTGGGGCCCGTGGCCCTGGCCCGGCCCGGCCCTCGCCCACGGG[G>T]CCCCCGCCCACTGCCCGCCAGGCCCCGTGATGGGGCCCCTGAGCCAGGTGAGCAGCAAGC-3'
Protein context (NP_005018.2, residues 82-102): ALARPGPRPR[Gly92Val]PRPLPARPRD